The following is an entry in ClinVar:

NM_022552.5(DNMT3A):c.65A>T (p.Asp22Val)

Gene: DNMT3A (DNA methyltransferase 3 alpha; minus strand). Cytogenetic location: 2p23.3.
Variant type: single nucleotide variant.
Coding change: c.65A>T on transcript NM_022552.5 (MANE Select); coding-DNA position 65, A replaced by T.
Protein change: p.Asp22Val; replaces aspartic acid 22 with valine.
Molecular consequence: missense variant. On other transcripts: non-coding transcript variant (1).
Genome position (GRCh38, 1-based): chr2:25,313,920, T>A on the plus strand (A>T on the coding strand, the complement: DNMT3A is on the minus strand). VCF-style: chr2-25313920-T-A. GRCh37 (hg19) VCF-style: chr2-25536789-T-A.
Other names: c.65A>T, p.Asp22Val (NM_001320892.2, NM_175629.2, NM_175630.1); short protein forms D22V.
Identifiers: ClinVar variation 3345156 (VCV003345156.1).

ClinVar aggregate classification (germline): Uncertain significance (0 of 4 stars; one submission).

Conditions:
DNMT3A-related disorder. Also called: DNMT3A-related condition; DNMT3A-related disorders.

Submission:

PreventionGenetics, part of Exact Sciences
Classification: Uncertain significance for DNMT3A-related condition. Last evaluated: 2024-05-20. Review status: no assertion criteria provided. Collection method: clinical testing. Allele origin: germline.
Comment: The DNMT3A c.65A>T variant is predicted to result in the amino acid substitution p.Asp22Val. To our knowledge, this variant has not been reported in the literature or in a large population database, indicating this variant is rare. At this time, the clinical significance of this variant is uncertain due to the absence of conclusive functional and genetic evidence.